The following is an entry in ClinVar:

NM_000317.3(PTS):c.-24_9del

Genes: PTS (6-pyruvoyltetrahydropterin synthase; plus strand), LOC130006765 (ATAC-STARR-seq lymphoblastoid silent region 3906; plus strand). Cytogenetic location: 11q23.1.
Variant type: Deletion.
Coding change: c.-24_9del on transcript NM_000317.3 (MANE Select); 24 bases upstream of the start codon through coding-DNA position 9, 33 bases deleted.
Genome position (GRCh38, 1-based): chr11:112,226,420-112,226,452, 33 bases deleted; deleting any 33 consecutive bases within chr11:112,226,418-112,226,452 gives the same sequence; the c. name uses the placement nearest the transcript's 3' end. GRCh37 (hg19): chr11:112,097,143-112,097,175.
Identifiers: ClinVar variation 1067052 (VCV001067052.14), dbSNP rs2135407114, ClinGen allele CA2499220754.

ClinVar aggregate classification (germline): Pathogenic/Likely pathogenic. Review status: criteria provided, multiple submitters, no conflicts (2 of 4 stars). 5 submissions from 5 submitters: Pathogenic (2); Likely pathogenic (2). 1 of the submissions does not count toward it. Last evaluated 2025-09-24.

Conditions:
6-Pyruvoyl-tetrahydrobiopterin synthase deficiency. Also called: 6-Pyruvoyltetrahydropterin Synthase Deficiency; HYPERPHENYLALANINEMIA, TETRAHYDROBIOPTERIN-DEFICIENT, DUE TO PTS DEFICIENCY; PTS-Related Tetrahydrobiopterin Deficiency; PTS DEFICIENCY; BH4-deficient hyperphenylalaninemia A; Hyperphenylalanemia, BH4-deficient, A. Identifiers: Orphanet 13, Orphanet 238583, MedGen C0878676, MONDO:0009863, OMIM 261640.

Submissions (5):

Genesolutions, Medical Genetics Institutes, Ho Chi Minh City, Vietnam
Classification: Pathogenic for 6-Pyruvoyl-tetrahydrobiopterin synthase deficiency. Last evaluated: 2025-09-24. Review status: criteria provided, single submitter. Criteria: ACMG Guidelines, 2015. Collection method: clinical testing. Allele origin: germline. Affected: yes.

Fulgent Genetics
Classification: Likely pathogenic for 6-Pyruvoyl-tetrahydrobiopterin synthase deficiency. Last evaluated: 2024-05-19. Review status: criteria provided, single submitter. Criteria: ACMG Guidelines, 2015. Collection method: clinical testing. Allele origin: germline.

Labcorp Genetics (formerly Invitae), Labcorp
Classification: Pathogenic for 6-Pyruvoyl-tetrahydrobiopterin synthase deficiency. Last evaluated: 2024-05-08. Review status: criteria provided, single submitter. Criteria: Invitae Variant Classification Sherloc (09022015). Collection method: clinical testing. Allele origin: germline.
Comment: This sequence change affects the initiator methionine of the PTS mRNA. The next in-frame methionine is located at codon 69. This variant is not present in population databases (gnomAD no frequency). This variant has not been reported in the literature in individuals affected with PTS-related conditions. ClinVar contains an entry for this variant (Variation ID: 1067052). This variant disrupts a region of the PTS protein in which other variant(s) (p.Arg25Gly) have been determined to be pathogenic (PMID: 9450907, 23138986). This suggests that this is a clinically significant region of the protein, and that variants that disrupt it are likely to be disease-causing. For these reasons, this variant has been classified as Pathogenic.

Baylor Genetics
Classification: Likely pathogenic for 6-Pyruvoyl-tetrahydrobiopterin synthase deficiency. Last evaluated: 2023-04-05. Review status: criteria provided, single submitter. Criteria: ACMG Guidelines, 2015. Collection method: clinical testing. Allele origin: unknown.

Natera, Inc.
Classification: Likely pathogenic for 6-Pyruvoyl-tetrahydrobiopterin synthase deficiency. Last evaluated: 2020-03-04. Review status: no assertion criteria provided. Collection method: clinical testing. Allele origin: germline. Not counted in ClinVar's aggregate classification.

Literature cited by the submitters: PubMed 9450907 (cited by Labcorp Genetics (formerly Invitae), Labcorp); PubMed 23138986 (cited by Labcorp Genetics (formerly Invitae), Labcorp).